The following is an entry in ClinVar:

NM_007348.4(ATF6):c.160-1G>A

Gene: ATF6 (activating transcription factor 6; plus strand). Cytogenetic location: 1q23.3.
Variant type: single nucleotide variant.
Coding change: c.160-1G>A on transcript NM_007348.4 (MANE Select); the canonical splice acceptor site of the intron before coding-DNA position 160, G replaced by A.
Molecular consequence: splice acceptor variant.
Genome position (GRCh38, 1-based): chr1:161,781,911, G>A. VCF-style: chr1-161781911-G-A. GRCh37 (hg19) VCF-style: chr1-161751701-G-A.
Other names: c.160-1G>A (NM_001410890.1).
Identifiers: ClinVar variation 3007374 (VCV003007374.4), dbSNP rs1684640743, ClinGen allele CA343384334.

ClinVar aggregate classification (germline): Likely pathogenic. Review status: criteria provided, multiple submitters, no conflicts (2 of 4 stars). 2 submissions from 2 submitters: Likely pathogenic (2). Last evaluated 2022-12-06.

Conditions:
ATF6-related disorder. Also called: ATF6-related condition.

Allele frequency attached by ClinVar (database versions not stated): TOPMed 0.00001.

Submissions (2):

Labcorp Genetics (formerly Invitae), Labcorp
Classification: Likely pathogenic. Last evaluated: 2022-12-06. Review status: criteria provided, single submitter. Criteria: Invitae Variant Classification Sherloc (09022015). Collection method: clinical testing. Allele origin: germline.
Comment: This variant has not been reported in the literature in individuals affected with ATF6-related conditions. This variant is not present in population databases (gnomAD no frequency). This sequence change affects an acceptor splice site in intron 2 of the ATF6 gene. It is expected to disrupt RNA splicing. Variants that disrupt the donor or acceptor splice site typically lead to a loss of protein function (PMID: 16199547), and loss-of-function variants in ATF6 are known to be pathogenic (PMID: 26029869, 26063662, 26070061). In summary, the currently available evidence indicates that the variant is pathogenic, but additional data are needed to prove that conclusively. Therefore, this variant has been classified as Likely Pathogenic. Algorithms developed to predict the effect of sequence changes on RNA splicing suggest that this variant may disrupt the consensus splice site.

Blueprint Genetics
Classification: Likely pathogenic for ATF6-related disorders. Last evaluated: 2022-08-26. Review status: criteria provided, single submitter. Criteria: ACMG Guidelines, 2015. Collection method: clinical testing. Allele origin: germline. Affected: yes. Observed: 1 variant allele.

Literature cited by the submitters: PubMed 16199547 (cited by Labcorp Genetics (formerly Invitae), Labcorp); PubMed 26029869 (cited by Labcorp Genetics (formerly Invitae), Labcorp); PubMed 26063662 (cited by Labcorp Genetics (formerly Invitae), Labcorp); PubMed 26070061 (cited by Labcorp Genetics (formerly Invitae), Labcorp).